The following is an entry in ClinVar:

NM_000138.5(FBN1):c.5341G>A (p.Val1781Met)

Gene: FBN1 (fibrillin 1; minus strand). Cytogenetic location: 15q21.1.
Variant type: single nucleotide variant.
Coding change: c.5341G>A on transcript NM_000138.5 (MANE Select); coding-DNA position 5341, G replaced by A.
Protein change: p.Val1781Met; replaces valine 1781 with methionine.
Molecular consequence: missense variant.
Genome position (GRCh38, 1-based): chr15:48,456,718, C>T on the plus strand (G>A on the coding strand, the complement: FBN1 is on the minus strand). VCF-style: chr15-48456718-C-T. GRCh37 (hg19) VCF-style: chr15-48748915-C-T.
Other names: c.5341G>A, p.Val1781Met (NM_001406716.1); short protein forms V1781M.
Identifiers: ClinVar variation 3896284 (VCV003896284.2).

ClinVar aggregate classification (germline): Uncertain significance (1 of 4 stars; one submission).

Submission:

Women's Health and Genetics/Laboratory Corporation of America, LabCorp
Classification: Uncertain significance. Last evaluated: 2025-04-14. Review status: criteria provided, single submitter. Criteria: LabCorp Variant Classification Summary - May 2015. Collection method: clinical testing. Allele origin: germline.
Comment: Variant summary: FBN1 c.5341G>A (p.Val1781Met) results in a conservative amino acid change in the encoded protein sequence. Three of five in-silico tools predict a damaging effect of the variant on protein function. The variant was absent in 251152 control chromosomes. The available data on variant occurrences in the general population are insufficient to allow any conclusion about variant significance. To our knowledge, no occurrence of c.5341G>A in individuals affected with Marfan Syndrome and no experimental evidence demonstrating its impact on protein function have been reported. No submitters have cited clinical-significance assessments for this variant to ClinVar. Based on the evidence outlined above, the variant was classified as uncertain significance.